The following is an entry in ClinVar:

ClinVar aggregate classification (germline): Uncertain significance. Review status: criteria provided, multiple submitters, no conflicts (2 of 4 stars). 2 submissions from 2 submitters: Uncertain significance (2). Last evaluated 2025-07-01.

Submissions (2):

GeneDx
Classification: Uncertain significance. Last evaluated: 2025-07-01. Review status: criteria provided, single submitter. Criteria: GeneDx Variant Classification Process June 2021. Collection method: clinical testing. Allele origin: germline. Affected: yes.
Comment: Not observed at significant frequency in large population cohorts (gnomAD); In-frame deletion of 1 amino acid in a non-repeat region; In silico analysis supports a deleterious effect on protein structure/function; Has not been previously published as pathogenic or benign to our knowledge

Labcorp Genetics (formerly Invitae), Labcorp
Classification: Uncertain significance. Last evaluated: 2024-07-27. Review status: criteria provided, single submitter. Criteria: Invitae Variant Classification Sherloc (09022015). Collection method: clinical testing. Allele origin: germline.
Comment: This variant, c.1992_1994del, results in the deletion of 1 amino acid(s) of the COL9A3 protein (p.Ser665del), but otherwise preserves the integrity of the reading frame. This variant is present in population databases (no rsID available, gnomAD 0.006%). This variant has not been reported in the literature in individuals affected with COL9A3-related conditions. Experimental studies and prediction algorithms are not available or were not evaluated, and the functional significance of this variant is currently unknown. In summary, the available evidence is currently insufficient to determine the role of this variant in disease. Therefore, it has been classified as a Variant of Uncertain Significance.

NM_001853.4(COL9A3):c.1992_1994del (p.Ser665del)

Gene: COL9A3 (collagen type IX alpha 3 chain; plus strand). Cytogenetic location: 20q13.33.
Variant type: Deletion.
Coding change: c.1992_1994del on transcript NM_001853.4 (MANE Select); coding-DNA positions 1992 to 1994, 3 bases deleted (CTC; older notation c.1992_1994delCTC).
Protein change: p.Ser665del; deletes serine 665.
Genome position (GRCh38, 1-based): chr20:62,840,669-62,840,671, CTC deleted; deleting any 3 consecutive bases within chr20:62,840,668-62,840,671 gives the same sequence; the c. name uses the placement nearest the transcript's 3' end. VCF-style (leftmost placement, unchanged base first): chr20-62840667-ACCT-A. GRCh37 (hg19) VCF-style: chr20-61472019-ACCT-A.
Other names: c.1992_1994del (NM_001853.3); short protein forms S665del.
Identifiers: ClinVar variation 3674953 (VCV003674953.3).